The following is an entry in ClinVar:

NM_000051.4(ATM):c.8380A>G (p.Asn2794Asp)

Genes: ATM (ATM serine/threonine kinase; plus strand), C11orf65 (chromosome 11 open reading frame 65; minus strand). Cytogenetic location: 11q22.3.
Variant type: single nucleotide variant.
Coding change: c.8380A>G on transcript NM_000051.4 (MANE Select); coding-DNA position 8380, A replaced by G.
Protein change: p.Asn2794Asp; replaces asparagine 2794 with aspartic acid.
Molecular consequence: missense variant. On other transcripts: intron variant (2).
Genome position (GRCh38, 1-based): chr11:108,343,333, A>G. VCF-style: chr11-108343333-A-G. GRCh37 (hg19) VCF-style: chr11-108214060-A-G.
Other names: c.8380A>G, p.Asn2794Asp (NM_001351834.2); c.641-34262T>C (NM_001330368.2); c.695-8041T>C (NM_001351110.2); short protein forms N2794D.
Identifiers: ClinVar variation 2624997 (VCV002624997.5), dbSNP rs2136950617, ClinGen allele CA382516544.

ClinVar aggregate classification (germline): Uncertain significance. Review status: criteria provided, multiple submitters, no conflicts (2 of 4 stars). 2 submissions from 2 submitters: Uncertain significance (2). Last evaluated 2024-05-11.

Conditions:
Ataxia-telangiectasia syndrome (AT). Also called: LOUIS-BAR SYNDROME; Cerebello-oculocutaneous telangiectasia; Immunodeficiency with ataxia telangiectasia; Ataxia-telangiectasia, complementation group E; Ataxia-telangiectasia, complementation group D; AT, COMPLEMENTATION GROUP C. Identifiers: Orphanet 100, MedGen C0004135, MONDO:0008840, OMIM 208900.
Hereditary cancer-predisposing syndrome. Also called: Hereditary Cancer Syndrome; Hereditary neoplastic syndrome; Neoplastic Syndromes, Hereditary; Tumor predisposition. Identifiers: Orphanet 140162, MedGen C0027672, MeSH D009386, MONDO:0015356.

Allele frequency attached by ClinVar (database versions not stated): gnomAD exomes 0.00001.
gnomAD v4.1: 3 of 1,614,054 alleles (0.00019%); highest among the groups gnomAD compares: Non-Finnish European, 0.00025%; no homozygotes.

Submissions (2):

Labcorp Genetics (formerly Invitae), Labcorp
Classification: Uncertain significance for Ataxia-telangiectasia syndrome. Last evaluated: 2024-05-11. Review status: criteria provided, single submitter. Criteria: Invitae Variant Classification Sherloc (09022015). Collection method: clinical testing. Allele origin: germline.
Comment: This sequence change replaces asparagine, which is neutral and polar, with aspartic acid, which is acidic and polar, at codon 2794 of the ATM protein (p.Asn2794Asp). This variant is not present in population databases (gnomAD no frequency). This variant has not been reported in the literature in individuals affected with ATM-related conditions. ClinVar contains an entry for this variant (Variation ID: 2624997). An algorithm developed to predict the effect of missense changes on protein structure and function (PolyPhen-2) suggests that this variant is likely to be tolerated. In summary, the available evidence is currently insufficient to determine the role of this variant in disease. Therefore, it has been classified as a Variant of Uncertain Significance.

Ambry Genetics
Classification: Uncertain significance for Hereditary cancer-predisposing syndrome. Last evaluated: 2023-08-31. Review status: criteria provided, single submitter. Criteria: Ambry Variant Classification Scheme 2023. Collection method: clinical testing. Allele origin: germline.
Comment: The p.N2794D variant (also known as c.8380A>G), located in coding exon 56 of the ATM gene, results from an A to G substitution at nucleotide position 8380. The asparagine at codon 2794 is replaced by aspartic acid, an amino acid with highly similar properties. This amino acid position is conserved. In addition, this alteration is predicted to be tolerated by in silico analysis. Since supporting evidence is limited at this time, the clinical significance of this alteration remains unclear.